The following is an entry in ClinVar:

NM_000264.5(PTCH1):c.187G>T (p.Glu63Ter)

Gene: PTCH1 (patched 1; minus strand). Cytogenetic location: 9q22.32.
Variant type: single nucleotide variant.
Coding change: c.187G>T on transcript NM_000264.5 (MANE Select); coding-DNA position 187, G replaced by T.
Protein change: p.Glu63Ter; replaces glutamic acid 63 with a stop codon.
Molecular consequence: nonsense. On other transcripts: non-coding transcript variant (1), intron variant (3).
Genome position (GRCh38, 1-based): chr9:95,508,175, C>A on the plus strand (G>T on the coding strand, the complement: PTCH1 is on the minus strand). VCF-style: chr9-95508175-C-A. GRCh37 (hg19) VCF-style: chr9-98270457-C-A.
Other names: c.187G>T, p.Glu63Ter (NM_001354918.2); c.199-1576G>T (NM_001083603.3); c.4-1576G>T (NM_001083602.3, NM_001354919.2); short protein forms E63*.
Identifiers: ClinVar variation 429530 (VCV000429530.8), dbSNP rs781768965, ClinGen allele CA374121269.

ClinVar aggregate classification (germline): Pathogenic. Review status: criteria provided, multiple submitters, no conflicts (2 of 4 stars). 3 submissions from 3 submitters: Pathogenic (3). Last evaluated 2025-04-09.

Conditions:
Gorlin syndrome. Also called: Nevoid Basal Cell Carcinoma Syndrome; Basal cell nevus syndrome. Identifiers: Orphanet 377, MedGen C0004779, MONDO:0007187.
Hereditary cancer-predisposing syndrome. Also called: Hereditary neoplastic syndrome; Tumor predisposition; Neoplastic Syndromes, Hereditary; Hereditary Cancer Syndrome. Identifiers: Orphanet 140162, MedGen C0027672, MeSH D009386, MONDO:0015356.

Submissions (3):

Labcorp Genetics (formerly Invitae), Labcorp
Classification: Pathogenic for Gorlin syndrome. Last evaluated: 2025-04-09. Review status: criteria provided, single submitter. Criteria: Invitae Variant Classification Sherloc (09022015). Collection method: clinical testing. Allele origin: germline.
Comment: This sequence change creates a premature translational stop signal (p.Glu63*) in the PTCH1 gene. It is expected to result in an absent or disrupted protein product. Loss-of-function variants in PTCH1 are known to be pathogenic (PMID: 16301862, 16419085). This variant is not present in population databases (gnomAD no frequency). This variant has not been reported in the literature in individuals affected with PTCH1-related conditions. ClinVar contains an entry for this variant (Variation ID: 429530). For these reasons, this variant has been classified as Pathogenic.

Ambry Genetics
Classification: Pathogenic for Hereditary cancer-predisposing syndrome. Last evaluated: 2017-05-25. Review status: criteria provided, single submitter. Criteria: Ambry Variant Classification Scheme 2023. Collection method: clinical testing. Allele origin: germline.
Comment: The p.E63* pathogenic mutation (also known as c.187G>T), located in coding exon 1 of the PTCH1 gene, results from a G to T substitution at nucleotide position 187. This changes the amino acid from a glutamic acid to a stop codon within coding exon 1. This alteration is expected to result in loss of function by premature protein truncation or nonsense-mediated mRNA decay. As such, this alteration is interpreted as a disease-causing mutation.

GeneDx
Classification: Pathogenic. Last evaluated: 2017-05-11. Review status: criteria provided, single submitter. Criteria: GeneDx Variant Classification (06012015). Collection method: clinical testing. Allele origin: germline. Affected: yes.
Comment: The E63X nonsense variant in the PTCH1 gene is predicted to cause loss of normal protein function either through protein truncation or nonsense-mediated mRNA decay. The E63X variant is not observed in large population cohorts (Lek et al., 2016; 1000 Genomes Consortium et al., 2015; Exome Variant Server).

Literature cited by the submitters: PubMed 16301862 (cited by Labcorp Genetics (formerly Invitae), Labcorp); PubMed 16419085 (cited by Labcorp Genetics (formerly Invitae), Labcorp).